The following is an entry in ClinVar:

ClinVar aggregate classification (germline): Uncertain significance. Review status: criteria provided, multiple submitters, no conflicts (2 of 4 stars). 2 submissions from 2 submitters: Uncertain significance (2). Last evaluated 2023-12-07.

Conditions:
Hereditary cancer-predisposing syndrome. Also called: Tumor predisposition; Neoplastic Syndromes, Hereditary; Hereditary Cancer Syndrome; Hereditary neoplastic syndrome. Identifiers: Orphanet 140162, MedGen C0027672, MeSH D009386, MONDO:0015356.
Tuberous sclerosis 1 (TSC1). Identifiers: Orphanet 805, MedGen C1854465, MONDO:0008612, OMIM 191100.

Allele frequency attached by ClinVar (database versions not stated): gnomAD exomes below 0.00001.
gnomAD v4.1: 3 of 1,614,170 alleles (0.00019%); highest among the groups gnomAD compares: Non-Finnish European, 0.00025%; no homozygotes.

Submissions (2):

Ambry Genetics
Classification: Uncertain significance for Hereditary cancer-predisposing syndrome. Last evaluated: 2023-12-07. Review status: criteria provided, single submitter. Criteria: Ambry Variant Classification Scheme 2023. Collection method: clinical testing. Allele origin: germline.
Comment: The p.N859S variant (also known as c.2576A>G), located in coding exon 18 of the TSC1 gene, results from an A to G substitution at nucleotide position 2576. The asparagine at codon 859 is replaced by serine, an amino acid with highly similar properties. This amino acid position is conserved. In addition, this alteration is predicted to be tolerated by in silico analysis. Since supporting evidence is limited at this time, the clinical significance of this alteration remains unclear.

Labcorp Genetics (formerly Invitae), Labcorp
Classification: Uncertain significance for Tuberous sclerosis 1. Last evaluated: 2022-07-19. Review status: criteria provided, single submitter. Criteria: Invitae Variant Classification Sherloc (09022015). Collection method: clinical testing. Allele origin: germline.
Comment: This variant is not present in population databases (gnomAD no frequency). In summary, the available evidence is currently insufficient to determine the role of this variant in disease. Therefore, it has been classified as a Variant of Uncertain Significance. Algorithms developed to predict the effect of sequence changes on RNA splicing suggest that this variant may create or strengthen a splice site. Algorithms developed to predict the effect of missense changes on protein structure and function are either unavailable or do not agree on the potential impact of this missense change (SIFT: "Tolerated"; PolyPhen-2: "Probably Damaging"; Align-GVGD: "Class C0"). ClinVar contains an entry for this variant (Variation ID: 1059231). This variant has not been reported in the literature in individuals affected with TSC1-related conditions. This sequence change replaces asparagine, which is neutral and polar, with serine, which is neutral and polar, at codon 859 of the TSC1 protein (p.Asn859Ser).

NM_000368.5(TSC1):c.2576A>G (p.Asn859Ser)

Gene: TSC1 (TSC complex subunit 1; minus strand). Cytogenetic location: 9q34.13.
Variant type: single nucleotide variant.
Coding change: c.2576A>G on transcript NM_000368.5 (MANE Select); coding-DNA position 2576, A replaced by G.
Protein change: p.Asn859Ser; replaces asparagine 859 with serine.
Molecular consequence: missense variant.
Genome position (GRCh38, 1-based): chr9:132,900,764, T>C on the plus strand (A>G on the coding strand, the complement: TSC1 is on the minus strand). VCF-style: chr9-132900764-T-C. GRCh37 (hg19) VCF-style: chr9-135776151-T-C.
Other names: c.2573A>G, p.Asn858Ser (NM_001162426.2); c.2423A>G, p.Asn808Ser (NM_001162427.2); c.2213A>G, p.Asn738Ser (NM_001362177.2); c.2576A>G (NM_000368.4); short protein forms N738S, N808S, N858S, N859S.
Identifiers: ClinVar variation 1059231 (VCV001059231.8), dbSNP rs2131686192, ClinGen allele CA375370037.